The following is an entry in ClinVar:

ClinVar aggregate classification (germline): Uncertain significance. Review status: criteria provided, multiple submitters, no conflicts (2 of 4 stars). 2 submissions from 2 submitters: Uncertain significance (2). Last evaluated 2025-10-19.

gnomAD v4.1: 18 of 1,611,856 alleles (0.0011%); highest among the groups gnomAD compares: Non-Finnish European, 0.0013%; no homozygotes.

Submissions (2):

Labcorp Genetics (formerly Invitae), Labcorp
Classification: Uncertain significance. Last evaluated: 2025-10-19. Review status: criteria provided, single submitter. Criteria: Invitae Variant Classification Sherloc (09022015). Collection method: clinical testing. Allele origin: germline.
Comment: This sequence change replaces glycine, which is neutral and non-polar, with arginine, which is basic and polar, at codon 1270 of the CELSR2 protein (p.Gly1270Arg). This variant is present in population databases (rs774233142, gnomAD 0.01%). This variant has not been reported in the literature in individuals affected with CELSR2-related conditions. ClinVar contains an entry for this variant (Variation ID: 4000208). Invitae Evidence Modeling of protein sequence and biophysical properties (such as structural, functional, and spatial information, amino acid conservation, physicochemical variation, residue mobility, and thermodynamic stability) indicates that this missense variant is not expected to disrupt CELSR2 protein function with a negative predictive value of 80%. In summary, the available evidence is currently insufficient to determine the role of this variant in disease. Therefore, it has been classified as a Variant of Uncertain Significance.

Ambry Genetics
Classification: Uncertain significance. Last evaluated: 2025-04-15. Review status: criteria provided, single submitter. Criteria: Ambry Variant Classification Scheme 2023. Collection method: clinical testing. Allele origin: germline.

NM_001408.3(CELSR2):c.3808G>C (p.Gly1270Arg)

Gene: CELSR2 (cadherin EGF LAG seven-pass G-type receptor 2; plus strand). Cytogenetic location: 1p13.3.
Variant type: single nucleotide variant.
Coding change: c.3808G>C on transcript NM_001408.3 (MANE Select); coding-DNA position 3808, G replaced by C.
Protein change: p.Gly1270Arg; replaces glycine 1270 with arginine.
Molecular consequence: missense variant.
Genome position (GRCh38, 1-based): chr1:109,258,929, G>C. VCF-style: chr1-109258929-G-C. GRCh37 (hg19) VCF-style: chr1-109801551-G-C.
Other names: short protein forms G1270R.
Identifiers: ClinVar variation 4000208 (VCV004000208.2).